The following is an entry in ClinVar:

NM_000548.5(TSC2):c.4079del (p.Glu1360fs)

Gene: TSC2 (TSC complex subunit 2; plus strand). Cytogenetic location: 16p13.3.
Variant type: Deletion.
Coding change: c.4079del on transcript NM_000548.5 (MANE Select); coding-DNA position 4079, one base deleted (A; older notation c.4079delA).
Protein change: p.Glu1360fs; shifts the reading frame from glutamic acid 1360.
Molecular consequence: frameshift variant. On other transcripts: non-coding transcript variant (5).
Genome position (GRCh38, 1-based): chr16:2,084,301, A deleted. VCF-style (leftmost placement, unchanged base first): chr16-2084300-GA-G. GRCh37 (hg19) VCF-style: chr16-2134301-GA-G.
Other names: c.3878del, p.Glu1293fs (NM_001077183.3); c.4010del, p.Glu1337fs (NM_001114382.3); c.3770del, p.Glu1257fs (NM_001318827.2); c.3734del, p.Glu1245fs (NM_001318829.2); c.3347del, p.Glu1116fs (NM_001318831.2); c.3911del, p.Glu1304fs (NM_001318832.2); c.3881del, p.Glu1294fs (NM_001363528.2); c.3947del, p.Glu1316fs (NM_001370404.1); and 26 more; short protein forms E1093fs, E1094fs, E1116fs, E1136fs, E1160fs, E1244fs, E1293fs, E1300fs.
Identifiers: ClinVar variation 2626450 (VCV002626450.2), dbSNP rs2544258529, ClinGen allele CA2582342631.

ClinVar aggregate classification (germline): Pathogenic (1 of 4 stars; one submission).

Conditions:
Hereditary cancer-predisposing syndrome. Also called: Tumor predisposition; Hereditary Cancer Syndrome; Hereditary neoplastic syndrome; Neoplastic Syndromes, Hereditary. Identifiers: Orphanet 140162, MedGen C0027672, MeSH D009386, MONDO:0015356.

Submission:

Ambry Genetics
Classification: Pathogenic for Hereditary cancer-predisposing syndrome. Last evaluated: 2023-09-11. Review status: criteria provided, single submitter. Criteria: Ambry Variant Classification Scheme 2023. Collection method: clinical testing. Allele origin: germline.
Comment: The c.4079delA pathogenic mutation, located in coding exon 33 of the TSC2 gene, results from a deletion of one nucleotide at nucleotide position 4079, causing a translational frameshift with a predicted alternate stop codon (p.E1360Gfs*23). This alteration has been observed in at least one individual with a personal and/or family history that is consistent with TSC2-related disease (Ambry internal data). This variant is considered to be rare based on population cohorts in the Genome Aggregation Database (gnomAD). This alteration is expected to result in loss of function by premature protein truncation or nonsense-mediated mRNA decay. As such, this alteration is interpreted as a disease-causing mutation.